The following is an entry in ClinVar:

ClinVar aggregate classification (germline): Pathogenic (1 of 4 stars; one submission).

Conditions:
Hereditary cancer-predisposing syndrome. Also called: Neoplastic Syndromes, Hereditary; Tumor predisposition; Hereditary Cancer Syndrome; Hereditary neoplastic syndrome. Identifiers: Orphanet 140162, MedGen C0027672, MeSH D009386, MONDO:0015356.

Submission:

Ambry Genetics
Classification: Pathogenic for Hereditary cancer-predisposing syndrome. Last evaluated: 2022-07-21. Review status: criteria provided, single submitter. Criteria: Ambry Variant Classification Scheme 2023. Collection method: clinical testing. Allele origin: germline.
Comment: The c.3473_3476delGTTAinsCT pathogenic mutation, located in coding exon 6 of the MSH6 gene, results from the deletion of 4 nucleotides and insertion of two nucleotides causing a translational frameshift with a predicted alternate stop codon (p.C1158Sfs*5). This alteration is expected to result in loss of function by premature protein truncation or nonsense-mediated mRNA decay. As such, this alteration is interpreted as a disease-causing mutation.

NM_000179.3(MSH6):c.3473_3476delinsCT (p.Cys1158fs)

Gene: MSH6 (mutS homolog 6; plus strand). Cytogenetic location: 2p16.3.
Variant type: Indel.
Coding change: c.3473_3476delinsCT on transcript NM_000179.3 (MANE Select); coding-DNA positions 3473 to 3476, GTTA replaced by CT.
Protein change: p.Cys1158fs; shifts the reading frame from cysteine 1158.
Molecular consequence: frameshift variant.
Genome position (GRCh38, 1-based): chr2:47,804,944-47,804,947, GTTA replaced by CT. VCF-style: chr2-47804944-GTTA-CT. GRCh37 (hg19) VCF-style: chr2-48032083-GTTA-CT.
Other names: c.3083_3086delinsCT, p.Cys1028fs (NM_001281492.2); c.2567_2570delinsCT, p.Cys856fs (NM_001281493.2, NM_001281494.2); c.3569_3572delGTTAinsCT, p.Cys1190Serfs (NM_001406795.1, NM_001406802.1); c.3473_3476delGTTAinsCT, p.Cys1158Serfs (NM_001406796.1, NM_001406800.1, NM_001406808.1 and 1 more transcripts); c.3176_3179delGTTAinsCT, p.Cys1059Serfs (NM_001406797.1, NM_001406801.1, NM_001406805.1 and 10 more transcripts); c.3299_3302delGTTAinsCT, p.Cys1100Serfs (NM_001406798.1); c.2948_2951delGTTAinsCT, p.Cys983Serfs (NM_001406799.1, NM_001406806.1, NM_001406807.1); c.2609_2612delGTTAinsCT, p.Cys870Serfs (NM_001406803.1); and 8 more; short protein forms C1158fs, C856fs, C1028fs.
Identifiers: ClinVar variation 1731756 (VCV001731756.2), dbSNP rs2530800515, ClinGen allele CA2580067151.